The following is an entry in ClinVar:

ClinVar aggregate classification (germline): Uncertain significance (1 of 4 stars; one submission).

Conditions:
Aortic aneurysm, familial thoracic 7 (AAT7). Also called: AORTIC DISSECTION, FAMILIAL, WITH OR WITHOUT AORTIC ANEURYSM. Identifiers: MedGen C3151077, MONDO:0013418, OMIM 613780.

Submission:

Labcorp Genetics (formerly Invitae), Labcorp
Classification: Uncertain significance for Aortic aneurysm, familial thoracic 7. Last evaluated: 2018-12-11. Review status: criteria provided, single submitter. Criteria: Invitae Variant Classification Sherloc (09022015). Collection method: clinical testing. Allele origin: germline.
Comment: This sequence change falls in intron 19 of the MYLK gene. It does not directly change the encoded amino acid sequence of the MYLK protein, but it affects a nucleotide within the consensus splice site of the intron. This variant is not present in population databases (ExAC no frequency). This variant has not been reported in the literature in individuals with MYLK-related disease. Nucleotide substitutions within the consensus splice site are a relatively common cause of aberrant splicing (PMID: 17576681, 9536098). Algorithms developed to predict the effect of sequence changes on RNA splicing suggest that this variant may disrupt the consensus splice site, but this prediction has not been confirmed by published transcriptional studies. This variant occurs in the long isoform of MYLK (PMID: 21055718). The current clinical and genetic evidence is not sufficient to establish whether loss-of-function variants in the long isoform of MYLK cause disease. In summary, the available evidence is currently insufficient to determine the role of this variant in disease. Therefore, it has been classified as a Variant of Uncertain Significance.

Literature cited by the submitters: PubMed 17576681; PubMed 9536098; PubMed 21055718.

NM_053025.4(MYLK):c.3565+3_3565+6del

Gene: MYLK (myosin light chain kinase; minus strand). Cytogenetic location: 3q21.1.
Variant type: Deletion.
Coding change: c.3565+3_3565+6del on transcript NM_053025.4 (MANE Select); bases 3 to 6 of the intron after coding-DNA position 3565, 4 bases deleted (AGGT; older notation c.3565+3_3565+6delAGGT).
Molecular consequence: splice donor variant.
Genome position (GRCh38, 1-based): chr3:123,692,729-123,692,732, ACCT deleted on the plus strand (AGGT on the coding strand, the reverse complement: MYLK is on the minus strand); deleting any 4 consecutive bases within chr3:123,692,729-123,692,735 gives the same sequence; the c. name uses the placement nearest the transcript's 3' end. VCF-style (leftmost placement, unchanged base first): chr3-123692728-GACCT-G. GRCh37 (hg19) VCF-style: chr3-123411575-GACCT-G.
Other names: c.3037+3_3037+6del (NM_001321309.2); c.3358+3_3358+6del (NM_053028.4, NM_053026.4); c.3565+3_3565+6del (NM_053027.4); c.3565+3_3565+6delAGGT (NM_053025.3).
Identifiers: ClinVar variation 651425 (VCV000651425.7), dbSNP rs1576580586, ClinGen allele CA915941536.